The following is an entry in ClinVar:

NM_005199.5(CHRNG):c.351-9T>C

Gene: CHRNG (cholinergic receptor nicotinic gamma subunit; plus strand). Cytogenetic location: 2q37.1.
Variant type: single nucleotide variant.
Coding change: c.351-9T>C on transcript NM_005199.5 (MANE Select); 9 bases into the intron before coding-DNA position 351, T replaced by C.
Molecular consequence: intron variant.
Genome position (GRCh38, 1-based): chr2:232,541,365, T>C. VCF-style: chr2-232541365-T-C. GRCh37 (hg19) VCF-style: chr2-233406075-T-C.
Identifiers: ClinVar variation 1326275 (VCV001326275.6), dbSNP rs764382582, ClinGen allele CA2168638.

ClinVar aggregate classification (germline): Conflicting classifications of pathogenicity. Review status: criteria provided, conflicting classifications (1 of 4 stars). 4 submissions from 4 submitters: Pathogenic (1); Likely pathogenic (2); Uncertain significance (1). Last evaluated 2024-10-04.

Conditions:
CHRNG-related disorder. Also called: CHRNG-related condition; CHRNG-related disorders.
Multiple pterygium syndrome. Identifiers: Orphanet 294060, MedGen C5848053, MONDO:0017415.
Autosomal recessive multiple pterygium syndrome. Also called: MULTIPLE PTERYGIUM SYNDROME, ESCOBAR VARIANT; PTERYGIUM COLLI SYNDROME; PTERYGIUM SYNDROME; PTERYGIUM UNIVERSALE. Identifiers: Orphanet 2990, MedGen C0265261, MONDO:0009926, OMIM 265000.

Allele frequency attached by ClinVar (database versions not stated): gnomAD exomes below 0.00001 and 0.00001; ExAC 0.00001; gnomAD 0.00001; TOPMed 0.00001.
gnomAD v4.1: 10 of 1,613,884 alleles (0.00062%); highest among the groups gnomAD compares: South Asian, 0.0088%; no homozygotes.

Submissions (4):

Dubai Health Genomic Medicine Center, Dubai Health
Classification: Likely pathogenic for Multiple pterygium syndrome. Last evaluated: 2024-10-04. Review status: criteria provided, single submitter. Criteria: ACMG Guidelines, 2015. Collection method: research. Allele origin: germline. Affected: yes.
Comment: PM3(strong),PM2

GeneDx
Classification: Pathogenic. Last evaluated: 2024-06-06. Review status: criteria provided, single submitter. Criteria: GeneDx Variant Classification Process June 2021. Collection method: clinical testing. Allele origin: germline. Affected: yes.
Comment: Not observed at significant frequency in large population cohorts (gnomAD); In silico analysis supports a deleterious effect on splicing; This variant is associated with the following publications: (PMID: 16826531, 27717089, 22167768, 37273706)

PreventionGenetics, part of Exact Sciences
Classification: Uncertain significance for CHRNG-related condition. Last evaluated: 2022-09-09. Review status: criteria provided, single submitter. Criteria: ACMG Guidelines, 2015. Collection method: clinical testing. Allele origin: germline.
Comment: The CHRNG c.351-9T>C variant is predicted to interfere with splicing. This variant is predicted to moderately decrease the strength of the canonical splice acceptor site (Alamut Visual v2.11), although functional experiments have not been performed. This variant has been reported in the homozygous state in three patients from two different consanguineous families with nonlethal Escobar variant of multiple pterygium syndrome (EVMPS) (described as IVS4-9T>C, Morgan et al 2006. PubMed ID: 16826531; Table S5, Alabdullatif et al. 2017. PubMed ID: 27717089). This variant is reported in 0.0033% of alleles in individuals of South Asian descent in gnomAD. Although we suspect that this variant may be pathogenic, at this time, the clinical significance of this variant is uncertain due to the absence of conclusive functional and genetic evidence.

CENTOGENE GmbH and LLC - Guiding Precision Medicine
Classification: Likely pathogenic for Autosomal recessive multiple pterygium syndrome. Last evaluated: 2021-09-01. Review status: criteria provided, single submitter. Criteria: ACMG Guidelines, 2015. Collection method: clinical testing. Allele origin: paternal. Affected: yes.